The following is an entry in ClinVar:

ClinVar aggregate classification (germline): Uncertain significance (1 of 4 stars; one submission).

Submission:

GeneDx
Classification: Uncertain significance. Last evaluated: 2022-04-01. Review status: criteria provided, single submitter. Criteria: GeneDx Variant Classification Process June 2021. Collection method: clinical testing. Allele origin: germline. Affected: yes.
Comment: Not observed at significant frequency in large population cohorts (gnomAD); In silico analysis supports that this missense variant has a deleterious effect on protein structure/function; Has not been previously published as pathogenic or benign to our knowledge

NM_001458.5(FLNC):c.5186C>A (p.Pro1729His)

Gene: FLNC (filamin C; plus strand). Cytogenetic location: 7q32.1.
Variant type: single nucleotide variant.
Coding change: c.5186C>A on transcript NM_001458.5 (MANE Select); coding-DNA position 5186, C replaced by A.
Protein change: p.Pro1729His; replaces proline 1729 with histidine.
Molecular consequence: missense variant.
Genome position (GRCh38, 1-based): chr7:128,849,565, C>A. VCF-style: chr7-128849565-C-A. GRCh37 (hg19) VCF-style: chr7-128489619-C-A.
Other names: c.5186C>A, p.Pro1729His (NM_001127487.2); short protein forms P1729H.
Identifiers: ClinVar variation 1707782 (VCV001707782.2), dbSNP rs2536650864, ClinGen allele CA369204384.